The following is an entry in ClinVar:

NM_000179.3(MSH6):c.3359A>T (p.Glu1120Val)

Gene: MSH6 (mutS homolog 6; plus strand). Cytogenetic location: 2p16.3.
Variant type: single nucleotide variant.
Coding change: c.3359A>T on transcript NM_000179.3 (MANE Select); coding-DNA position 3359, A replaced by T.
Protein change: p.Glu1120Val; replaces glutamic acid 1120 with valine.
Molecular consequence: missense variant.
Genome position (GRCh38, 1-based): chr2:47,803,606, A>T. VCF-style: chr2-47803606-A-T. GRCh37 (hg19) VCF-style: chr2-48030745-A-T.
Other names: c.2969A>T, p.Glu990Val (NM_001281492.2); c.2453A>T, p.Glu818Val (NM_001281493.2, NM_001281494.2); c.3359A>T (NM_000179.2); short protein forms E1120V, E818V, E990V.
Identifiers: ClinVar variation 1476560 (VCV001476560.8), dbSNP rs1669764840, ClinGen allele CA346758776.

ClinVar aggregate classification (germline): Uncertain significance. Review status: criteria provided, multiple submitters, no conflicts (2 of 4 stars). 3 submissions from 3 submitters: Uncertain significance (3). Last evaluated 2025-05-07.

Conditions:
Hereditary cancer-predisposing syndrome. Also called: Neoplastic Syndromes, Hereditary; Hereditary Cancer Syndrome; Tumor predisposition; Hereditary neoplastic syndrome. Identifiers: Orphanet 140162, MedGen C0027672, MeSH D009386, MONDO:0015356.
Hereditary nonpolyposis colorectal neoplasms. Identifiers: MedGen C0009405, MeSH D003123.
Lynch syndrome 5 (LYNCH5). Also called: Colorectal cancer, hereditary nonpolyposis, type 5; Hereditary non-polyposis colorectal cancer, type 5. Identifiers: Orphanet 144, MedGen C1833477, MONDO:0013710, OMIM 614350. Disease mechanism: loss of function.

Submissions (3):

Labcorp Genetics (formerly Invitae), Labcorp
Classification: Uncertain significance for Hereditary nonpolyposis colorectal neoplasms. Last evaluated: 2025-05-07. Review status: criteria provided, single submitter. Criteria: Invitae Variant Classification Sherloc (09022015). Collection method: clinical testing. Allele origin: germline.
Comment: This sequence change replaces glutamic acid, which is acidic and polar, with valine, which is neutral and non-polar, at codon 1120 of the MSH6 protein (p.Glu1120Val). This variant is not present in population databases (gnomAD no frequency). This variant has not been reported in the literature in individuals affected with MSH6-related conditions. ClinVar contains an entry for this variant (Variation ID: 1476560). Invitae Evidence Modeling of protein sequence and biophysical properties (such as structural, functional, and spatial information, amino acid conservation, physicochemical variation, residue mobility, and thermodynamic stability) indicates that this missense variant is not expected to disrupt MSH6 protein function with a negative predictive value of 95%. In summary, the available evidence is currently insufficient to determine the role of this variant in disease. Therefore, it has been classified as a Variant of Uncertain Significance.

Molecular Pathology, Peter Maccallum Cancer Centre
Classification: Uncertain significance for Lynch syndrome 5. Last evaluated: 2024-12-14. Review status: criteria provided, single submitter. Criteria: ACMG Guidelines, 2015. Collection method: clinical testing. Allele origin: germline. Inheritance: Autosomal dominant inheritance.

Color Diagnostics, LLC DBA Color Health
Classification: Uncertain significance for Hereditary cancer-predisposing syndrome. Last evaluated: 2024-09-24. Review status: criteria provided, single submitter. Criteria: ACMG Guidelines, 2015. Collection method: clinical testing. Allele origin: germline.
Comment: This missense variant replaces glutamic acid with valine at codon 1120 of the MSH6 protein. Computational prediction suggests that this variant may not impact protein structure and function (internally defined REVEL score threshold <= 0.5, PMID: 27666373). To our knowledge, functional studies have not been reported for this variant. This variant has not been reported in individuals affected with MSH6-related disorders in the literature. This variant has not been identified in the general population by the Genome Aggregation Database (gnomAD). The available evidence is insufficient to determine the role of this variant in disease conclusively. Therefore, this variant is classified as a Variant of Uncertain Significance.